The following is an entry in ClinVar:

ClinVar aggregate classification (germline): Benign. Review status: criteria provided, multiple submitters, no conflicts (2 of 4 stars). 3 submissions from 3 submitters: Benign (3). Last evaluated 2019-08-10.

Conditions:
Usher syndrome type 3. Also called: Usher Syndrome, Type III. Identifiers: Orphanet 231183, MedGen C1568248, MONDO:0016485.

Allele frequency attached by ClinVar (database versions not stated): ExAC 0.62928; gnomAD exomes 0.68650 and 0.69152; gnomAD 0.76070 and 0.76689; TOPMed 0.77178; 1000 Genomes Project 0.77676; 1000 Genomes Project 30x 0.77998.
gnomAD v4.1: 364,713 of 514,546 alleles (71%); highest among the groups gnomAD compares: African/African-American, 92%; 131,785 homozygotes.

Submissions (3):

GeneDx
Classification: Benign. Last evaluated: 2019-08-10. Review status: criteria provided, single submitter. Criteria: GeneDx Variant Classification Process June 2021. Collection method: clinical testing. Allele origin: germline. Affected: yes.

Illumina Laboratory Services, Illumina
Classification: Benign for Usher syndrome type 3A. Last evaluated: 2018-01-12. Review status: criteria provided, single submitter. Criteria: ICSL Variant Classification Criteria 13 December 2019. Collection method: clinical testing. Allele origin: germline.
Comment: This variant was observed in the ICSL laboratory as part of a predisposition screen in an ostensibly healthy population. It had not been previously curated by ICSL or reported in the Human Gene Mutation Database (HGMD: prior to June 1st, 2018), and was therefore a candidate for classification through an automated scoring system. Utilizing variant allele frequency, disease prevalence and penetrance estimates, and inheritance mode, an automated score was calculated to assess if this variant is too frequent to cause the disease. Based on the score and internal cut-off values, a variant classified as benign is not then subjected to further curation. The score for this variant resulted in a classification of benign for this disease.

Breakthrough Genomics
Classification: Benign. Review status: criteria provided, single submitter. Criteria: ACMG Guidelines, 2015. Collection method: not provided. Allele origin: germline. Inheritance: Autosomal recessive inheritance. Affected: yes.

NM_174878.3(CLRN1):c.*315C>T

Gene: CLRN1 (clarin 1; minus strand). Cytogenetic location: 3q25.1.
Variant type: single nucleotide variant.
Coding change: c.*315C>T on transcript NM_174878.3 (MANE Select); 315 bases downstream of the stop codon, C replaced by T.
Molecular consequence: 3 prime UTR variant. On other transcripts: non-coding transcript variant (1), intron variant (1).
Genome position (GRCh38, 1-based): chr3:150,927,621, G>A on the plus strand (C>T on the coding strand, the complement: CLRN1 is on the minus strand). VCF-style: chr3-150927621-G-A. GRCh37 (hg19) VCF-style: chr3-150645408-G-A.
Other names: c.*315C>T (NM_001195794.1); c.*628C>T (NM_001256819.2); c.342+444C>T (NM_052995.2).
Identifiers: ClinVar variation 343805 (VCV000343805.8), dbSNP rs1456138, ClinGen allele CA2665935.